The following is an entry in ClinVar:

ClinVar aggregate classification (germline): Uncertain significance (1 of 4 stars; one submission).

Conditions:
Arrhythmogenic right ventricular dysplasia 9 (ARVD9). Also called: Arrhythmogenic Right Ventricular Dysplasia/Cardiomyopathy 9; ARRHYTHMOGENIC RIGHT VENTRICULAR DYSPLASIA, FAMILIAL, 9. Identifiers: MedGen C1836906, MONDO:0012180, OMIM 609040.

Submission:

Labcorp Genetics (formerly Invitae), Labcorp
Classification: Uncertain significance for Arrhythmogenic right ventricular dysplasia 9. Last evaluated: 2024-03-27. Review status: criteria provided, single submitter. Criteria: Invitae Variant Classification Sherloc (09022015). Collection method: clinical testing. Allele origin: germline.
Comment: This sequence change replaces leucine, which is neutral and non-polar, with phenylalanine, which is neutral and non-polar, at codon 92 of the PKP2 protein (p.Leu92Phe). This variant is not present in population databases (gnomAD no frequency). This variant has not been reported in the literature in individuals affected with PKP2-related conditions. An algorithm developed to predict the effect of missense changes on protein structure and function (PolyPhen-2) suggests that this variant is likely to be tolerated. In summary, the available evidence is currently insufficient to determine the role of this variant in disease. Therefore, it has been classified as a Variant of Uncertain Significance.

NM_001005242.3(PKP2):c.276G>T (p.Leu92Phe)

Gene: PKP2 (plakophilin 2; minus strand). Cytogenetic location: 12p11.21.
Variant type: single nucleotide variant.
Coding change: c.276G>T on transcript NM_001005242.3 (MANE Select); coding-DNA position 276, G replaced by T.
Protein change: p.Leu92Phe; replaces leucine 92 with phenylalanine.
Molecular consequence: missense variant. On other transcripts: 5 prime UTR variant (4).
Genome position (GRCh38, 1-based): chr12:32,878,980, C>A on the plus strand (G>T on the coding strand, the complement: PKP2 is on the minus strand). VCF-style: chr12-32878980-C-A. GRCh37 (hg19) VCF-style: chr12-33031914-C-A.
Other names: c.-52G>T (NM_001407158.1, NM_001407159.1, NM_001407160.1 and 1 more transcripts); c.276G>T, p.Leu92Phe (NM_001407161.1, NM_001407155.1, NM_001407156.1 and 2 more transcripts); short protein forms L92F.
Identifiers: ClinVar variation 3603318 (VCV003603318.2).